The following is an entry in ClinVar:

ClinVar aggregate classification (germline): Conflicting classifications of pathogenicity. Review status: criteria provided, conflicting classifications (1 of 4 stars). 2 submissions from 2 submitters: Uncertain significance (1); Likely benign (1). Last evaluated 2025-10-01.

Conditions:
Developmental and epileptic encephalopathy, 9 (DEE9). Also called: Early infantile epileptic encephalopathy 9; EPILEPSY, FEMALE-RESTRICTED, WITH MENTAL RETARDATION; JUBERG-HELLMAN SYNDROME; PCDH19-Related X-Linked Female-Limited Epilepsy with Mental Retardation. Identifiers: Orphanet 101039, Orphanet 2076, MedGen C1848137, MONDO:0010246, OMIM 300088. Disease mechanism: loss of function.

Allele frequency attached by ClinVar (database versions not stated): TOPMed below 0.00001; gnomAD exomes 0.00001.
gnomAD v4.1: 12 of 1,211,364 alleles (0.00099%); highest among the groups gnomAD compares: African/African-American, 0.0052%; no homozygotes.

Submissions (2):

CeGaT Center for Human Genetics Tuebingen
Classification: Likely benign. Last evaluated: 2025-10-01. Review status: criteria provided, single submitter. Criteria: CeGaT Center For Human Genetics Tuebingen Variant Classification Criteria Version 2. Collection method: clinical testing. Allele origin: germline. Affected: yes. Observed: 1 variant allele.
Comment: PCDH19: BP4, BS2

Labcorp Genetics (formerly Invitae), Labcorp
Classification: Uncertain significance for Developmental and epileptic encephalopathy, 9. Last evaluated: 2022-07-29. Review status: criteria provided, single submitter. Criteria: Invitae Variant Classification Sherloc (09022015). Collection method: clinical testing. Allele origin: germline.
Comment: In summary, the available evidence is currently insufficient to determine the role of this variant in disease. Therefore, it has been classified as a Variant of Uncertain Significance. Advanced modeling of protein sequence and biophysical properties (such as structural, functional, and spatial information, amino acid conservation, physicochemical variation, residue mobility, and thermodynamic stability) performed at Invitae indicates that this missense variant is not expected to disrupt PCDH19 protein function. This variant has not been reported in the literature in individuals affected with PCDH19-related conditions. This variant is present in population databases (no rsID available, gnomAD 0.008%). This sequence change replaces serine, which is neutral and polar, with cysteine, which is neutral and slightly polar, at codon 1074 of the PCDH19 protein (p.Ser1074Cys).

NM_001184880.2(PCDH19):c.3221C>G (p.Ser1074Cys)

Gene: PCDH19 (protocadherin 19; minus strand). Cytogenetic location: Xq22.1.
Variant type: single nucleotide variant.
Coding change: c.3221C>G on transcript NM_001184880.2 (MANE Select); coding-DNA position 3221, C replaced by G.
Protein change: p.Ser1074Cys; replaces serine 1074 with cysteine.
Molecular consequence: missense variant.
Genome position (GRCh38, 1-based): chrX:100,296,503, G>C on the plus strand (C>G on the coding strand, the complement: PCDH19 is on the minus strand). VCF-style: chrX-100296503-G-C. GRCh37 (hg19) VCF-style: chrX-99551501-G-C.
Other names: c.3080C>G, p.Ser1027Cys (NM_001105243.2); c.3077C>G, p.Ser1026Cys (NM_020766.3); short protein forms S1026C, S1027C, S1074C.
Identifiers: ClinVar variation 2188065 (VCV002188065.10), dbSNP rs1422167083, ClinGen allele CA413999903.